The following is an entry in ClinVar:

ClinVar aggregate classification (germline): Uncertain significance (1 of 4 stars; one submission).

Conditions:
Niemann-Pick disease, type C1. Also called: NEUROVISCERAL STORAGE DISEASE WITH VERTICAL SUPRANUCLEAR OPHTHALMOPLEGIA; NIEMANN-PICK DISEASE WITH CHOLESTEROL ESTERIFICATION BLOCK; NIEMANN-PICK DISEASE WITHOUT SPHINGOMYELINASE DEFICIENCY; NIEMANN-PICK DISEASE, CHRONIC NEURONOPATHIC FORM; NIEMANN-PICK DISEASE, VARIANT TYPE C1. Identifiers: Orphanet 646, MedGen C3179455, MONDO:0009757, OMIM 257220.

Allele frequency attached by ClinVar (database versions not stated): gnomAD 0.00001; gnomAD exomes 0.00002; TOPMed 0.00002; ExAC 0.00003.
gnomAD v4.1: 30 of 1,614,004 alleles (0.0019%); highest among the groups gnomAD compares: Middle Eastern, 0.016%; no homozygotes.

Submission:

Labcorp Genetics (formerly Invitae), Labcorp
Classification: Uncertain significance for Niemann-Pick disease, type C1. Last evaluated: 2024-06-24. Review status: criteria provided, single submitter. Criteria: Invitae Variant Classification Sherloc (09022015). Collection method: clinical testing. Allele origin: germline.
Comment: This sequence change replaces arginine, which is basic and polar, with cysteine, which is neutral and slightly polar, at codon 341 of the NPC1 protein (p.Arg341Cys). This variant is present in population databases (rs770271541, gnomAD 0.01%). This variant has not been reported in the literature in individuals affected with NPC1-related conditions. ClinVar contains an entry for this variant (Variation ID: 2201902). Advanced modeling of protein sequence and biophysical properties (such as structural, functional, and spatial information, amino acid conservation, physicochemical variation, residue mobility, and thermodynamic stability) performed at Invitae indicates that this missense variant is not expected to disrupt NPC1 protein function with a negative predictive value of 95%. In summary, the available evidence is currently insufficient to determine the role of this variant in disease. Therefore, it has been classified as a Variant of Uncertain Significance.

NM_000271.5(NPC1):c.1021C>T (p.Arg341Cys)

Gene: NPC1 (NPC intracellular cholesterol transporter 1; minus strand). Cytogenetic location: 18q11.2.
Variant type: single nucleotide variant.
Coding change: c.1021C>T on transcript NM_000271.5 (MANE Select); coding-DNA position 1021, C replaced by T.
Protein change: p.Arg341Cys; replaces arginine 341 with cysteine.
Molecular consequence: missense variant.
Genome position (GRCh38, 1-based): chr18:23,556,548, G>A on the plus strand (C>T on the coding strand, the complement: NPC1 is on the minus strand). VCF-style: chr18-23556548-G-A. GRCh37 (hg19) VCF-style: chr18-21136512-G-A.
Other names: short protein forms R341C.
Identifiers: ClinVar variation 2201902 (VCV002201902.2), dbSNP rs770271541, ClinGen allele CA8913551.